The following is an entry in ClinVar:

ClinVar aggregate classification (germline): Benign/Likely benign. Review status: criteria provided, multiple submitters, no conflicts (2 of 4 stars). 4 submissions from 4 submitters: Benign (3); Likely benign (1). Last evaluated 2024-11-13.

Allele frequency attached by ClinVar (database versions not stated): TOPMed 0.00001; gnomAD 0.00009; ExAC 0.00045; 1000 Genomes Project 0.00100; 1000 Genomes Project 30x 0.00109.
gnomAD v4.1: 259 of 1,614,076 alleles (0.016%); highest among the groups gnomAD compares: South Asian, 0.27%; 11 homozygotes.

Submissions (4):

Blueprint Genetics
Classification: Likely benign. Last evaluated: 2024-11-13. Review status: criteria provided, single submitter. Criteria: ACMG Guidelines, 2015. Collection method: clinical testing. Allele origin: germline.

Labcorp Genetics (formerly Invitae), Labcorp
Classification: Benign. Last evaluated: 2024-08-12. Review status: criteria provided, single submitter. Criteria: Invitae Variant Classification Sherloc (09022015). Collection method: clinical testing. Allele origin: germline.

CeGaT Center for Human Genetics Tuebingen
Classification: Benign. Last evaluated: 2023-10-01. Review status: criteria provided, single submitter. Criteria: CeGaT Center For Human Genetics Tuebingen Variant Classification Criteria Version 2. Collection method: clinical testing. Allele origin: germline. Affected: yes. Observed: 3 variant alleles.
Comment: SMARCA2: BS1, BS2

Genetic Services Laboratory, University of Chicago
Classification: Benign. Last evaluated: 2019-06-24. Review status: criteria provided, single submitter. Criteria: ACMG Guidelines, 2015. Collection method: clinical testing. Allele origin: germline. Affected: no.

NM_003070.5(SMARCA2):c.4218G>A (p.Val1406=)

Gene: SMARCA2 (SWI/SNF related BAF chromatin remodeling complex subunit ATPase 2; plus strand). Cytogenetic location: 9p24.3.
Variant type: single nucleotide variant.
Coding change: c.4218G>A on transcript NM_003070.5 (MANE Select); coding-DNA position 4218, G replaced by A.
Protein change: p.Val1406=; no amino-acid change (valine 1406 retained).
Molecular consequence: synonymous variant. On other transcripts: intron variant (5).
Genome position (GRCh38, 1-based): chr9:2,170,437, G>A. VCF-style: chr9-2170437-G-A. GRCh37 (hg19) VCF-style: chr9-2170437-G-A.
Other names: c.4218G>A, p.Val1406= (NM_001289396.2); c.4199+8534G>A (NM_139045.4); c.4025+8534G>A (NM_001289397.2); c.227+8534G>A (NM_001289398.2); c.317+8534G>A (NM_001289400.2); c.311+8534G>A (NM_001289399.2).
Identifiers: ClinVar variation 1337262 (VCV001337262.32), dbSNP rs558384854, ClinGen allele CA4964063.
Genomic context (GRCh38, chr9:2,170,437, plus strand): 5'-CCCAGGTCTTCTGACTCTAGTGTTCTTTCTACTCTACCGCAGGTGTAACGTGGAGAAGGT[G>A]CCCAGTAATTCTCAGTTGGAAATAGAAGGAAACAGGTCAGGATCTGTCTTGTATTCCCCT-3'
Protein context (NP_003061.3, residues 1396-1416): NYKDRCNVEK[Val1406=]PSNSQLEIEG